The following is an entry in ClinVar:

ClinVar aggregate classification (germline): Uncertain significance. Review status: criteria provided, multiple submitters, no conflicts (2 of 4 stars). 2 submissions from 2 submitters: Uncertain significance (2). Last evaluated 2025-10-16.

Conditions:
Hereditary cancer-predisposing syndrome. Also called: Neoplastic Syndromes, Hereditary; Hereditary Cancer Syndrome; Tumor predisposition; Hereditary neoplastic syndrome. Identifiers: Orphanet 140162, MedGen C0027672, MeSH D009386, MONDO:0015356.
Ataxia-telangiectasia syndrome (AT). Also called: LOUIS-BAR SYNDROME; Cerebello-oculocutaneous telangiectasia; Immunodeficiency with ataxia telangiectasia; Ataxia-telangiectasia, complementation group D; AT, COMPLEMENTATION GROUP C; Ataxia-telangiectasia, complementation group E. Identifiers: Orphanet 100, MedGen C0004135, MONDO:0008840, OMIM 208900.

Submissions (2):

Ambry Genetics
Classification: Uncertain significance for Hereditary cancer-predisposing syndrome. Last evaluated: 2025-10-16. Review status: criteria provided, single submitter. Criteria: Ambry Variant Classification Scheme 2023. Collection method: clinical testing. Allele origin: germline.
Comment: The p.D2870G variant (also known as c.8609A>G), located in coding exon 58 of the ATM gene, results from an A to G substitution at nucleotide position 8609. The aspartic acid at codon 2870 is replaced by glycine, an amino acid with similar properties. In an assay testing ATM function, this variant showed a functionally abnormal result (Lee KS et al. Cell, 2025 Sep;188:5081-5099.e27). This amino acid position is highly conserved in available vertebrate species. In addition, this alteration is predicted to be deleterious by in silico analysis. Based on the available evidence, the clinical significance of this variant remains unclear.

Labcorp Genetics (formerly Invitae), Labcorp
Classification: Uncertain significance for Ataxia-telangiectasia syndrome. Last evaluated: 2024-11-23. Review status: criteria provided, single submitter. Criteria: Invitae Variant Classification Sherloc (09022015). Collection method: clinical testing. Allele origin: germline.
Comment: This sequence change replaces aspartic acid, which is acidic and polar, with glycine, which is neutral and non-polar, at codon 2870 of the ATM protein (p.Asp2870Gly). This variant is not present in population databases (gnomAD no frequency). This variant has not been reported in the literature in individuals affected with ATM-related conditions. ClinVar contains an entry for this variant (Variation ID: 479101). Invitae Evidence Modeling of protein sequence and biophysical properties (such as structural, functional, and spatial information, amino acid conservation, physicochemical variation, residue mobility, and thermodynamic stability) indicates that this missense variant is expected to disrupt ATM protein function with a positive predictive value of 95%. In summary, the available evidence is currently insufficient to determine the role of this variant in disease. Therefore, it has been classified as a Variant of Uncertain Significance.

Literature cited by the submitters: PubMed 40580951 (cited by Ambry Genetics).

NM_000051.4(ATM):c.8609A>G (p.Asp2870Gly)

Genes: ATM (ATM serine/threonine kinase; plus strand), C11orf65 (chromosome 11 open reading frame 65; minus strand). Cytogenetic location: 11q22.3.
Variant type: single nucleotide variant.
Coding change: c.8609A>G on transcript NM_000051.4 (MANE Select); coding-DNA position 8609, A replaced by G.
Protein change: p.Asp2870Gly; replaces aspartic acid 2870 with glycine.
Molecular consequence: missense variant. On other transcripts: intron variant (2).
Genome position (GRCh38, 1-based): chr11:108,347,303, A>G. VCF-style: chr11-108347303-A-G. GRCh37 (hg19) VCF-style: chr11-108218030-A-G.
Other names: c.8609A>G, p.Asp2870Gly (NM_001351834.2); c.641-38232T>C (NM_001330368.2); c.695-12011T>C (NM_001351110.2); short protein forms D2870G.
Identifiers: ClinVar variation 479101 (VCV000479101.13), dbSNP rs1555139540, ClinGen allele CA382520559.